The following is an entry in ClinVar:

NM_001005498.4(RHBDF2):c.1228-3T>C

Gene: RHBDF2 (rhomboid 5 homolog 2; minus strand). Cytogenetic location: 17q25.1.
Variant type: single nucleotide variant.
Coding change: c.1228-3T>C on transcript NM_001005498.4 (MANE Select); 3 bases into the intron before coding-DNA position 1228, T replaced by C.
Molecular consequence: intron variant.
Genome position (GRCh38, 1-based): chr17:76,474,807, A>G on the plus strand (T>C on the coding strand, the complement: RHBDF2 is on the minus strand). VCF-style: chr17-76474807-A-G. GRCh37 (hg19) VCF-style: chr17-74470889-A-G.
Other names: c.1315-3T>C (NM_024599.5); c.1228-3T>C (NM_001376230.1, NM_001376228.1, NM_001376229.1).
Identifiers: ClinVar variation 4697856 (VCV004697856.1).
Genomic context (GRCh38, chr17:76,474,807, plus strand): 5'-AGAAGTTCTCCTGCTGGATGTACTTCACGCTCTCGTACACACCTTTGTTCCGCAGCACCT[A>G]TCGTGGAGGTAGCACAGAGGAGGGCGTCAGAACAGTGTGGGCCCTGGGCATGGGGAGCTG-3'

ClinVar aggregate classification (germline): Uncertain significance (1 of 4 stars; one submission).

gnomAD v4.1: 4 of 1,613,132 alleles (0.00025%); highest among the groups gnomAD compares: African/African-American, 0.004%; no homozygotes.

Submission:

Labcorp Genetics (formerly Invitae), Labcorp
Classification: Uncertain significance. Last evaluated: 2025-08-26. Review status: criteria provided, single submitter. Criteria: Invitae Variant Classification Sherloc (09022015). Collection method: clinical testing. Allele origin: germline.
Comment: This sequence change falls in intron 10 of the RHBDF2 gene. It does not directly change the encoded amino acid sequence of the RHBDF2 protein. It affects a nucleotide within the consensus splice site. This variant is present in population databases (no rsID available, gnomAD no frequency). This variant has not been reported in the literature in individuals affected with RHBDF2-related conditions. Variants that disrupt the consensus splice site are a relatively common cause of aberrant splicing (PMID: 17576681, 9536098). Algorithms developed to predict the effect of sequence changes on RNA splicing suggest that this variant is not likely to affect RNA splicing. In summary, the available evidence is currently insufficient to determine the role of this variant in disease. Therefore, it has been classified as a Variant of Uncertain Significance.

Literature cited by the submitters: PubMed 17576681; PubMed 9536098.